The following is an entry in ClinVar:

NM_014915.3(ANKRD26):c.1994A>G (p.Lys665Arg)

Gene: ANKRD26 (ankyrin repeat domain 26; minus strand). Cytogenetic location: 10p12.1.
Variant type: single nucleotide variant.
Coding change: c.1994A>G on transcript NM_014915.3 (MANE Select); coding-DNA position 1994, A replaced by G.
Protein change: p.Lys665Arg; replaces lysine 665 with arginine.
Molecular consequence: missense variant.
Genome position (GRCh38, 1-based): chr10:27,044,182, T>C on the plus strand (A>G on the coding strand, the complement: ANKRD26 is on the minus strand). VCF-style: chr10-27044182-T-C. GRCh37 (hg19) VCF-style: chr10-27333111-T-C.
Other names: c.1991A>G, p.Lys664Arg (NM_001256053.2); short protein forms K665R, K664R.
Identifiers: ClinVar variation 3713939 (VCV003713939.4).

ClinVar aggregate classification (germline): Uncertain significance. Review status: criteria provided, multiple submitters, no conflicts (2 of 4 stars). 2 submissions from 2 submitters: Uncertain significance (2). Last evaluated 2025-06-20.

Conditions:
Inborn genetic diseases. Identifiers: MedGen C0950123, MeSH D030342.

gnomAD v4.1: 3 of 1,432,500 alleles (0.00021%); highest among the groups gnomAD compares: South Asian, 0.0024%; no homozygotes.

Submissions (2):

Ambry Genetics
Classification: Uncertain significance for Inborn genetic diseases. Last evaluated: 2025-06-20. Review status: criteria provided, single submitter. Criteria: Ambry Variant Classification Scheme 2023. Collection method: clinical testing. Allele origin: germline.
Comment: The p.K665R variant (also known as c.1994A>G), located in coding exon 19 of the ANKRD26 gene, results from an A to G substitution at nucleotide position 1994. The lysine at codon 665 is replaced by arginine, an amino acid with highly similar properties. This amino acid position is conserved. In addition, this alteration is predicted to be tolerated by in silico analysis. Based on the available evidence, the clinical significance of this variant remains unclear.

Labcorp Genetics (formerly Invitae), Labcorp
Classification: Uncertain significance. Last evaluated: 2024-07-10. Review status: criteria provided, single submitter. Criteria: Invitae Variant Classification Sherloc (09022015). Collection method: clinical testing. Allele origin: germline.
Comment: This sequence change replaces lysine, which is basic and polar, with arginine, which is basic and polar, at codon 665 of the ANKRD26 protein (p.Lys665Arg). This variant is not present in population databases (gnomAD no frequency). This variant has not been reported in the literature in individuals affected with ANKRD26-related conditions. An algorithm developed to predict the effect of missense changes on protein structure and function outputs the following: PolyPhen-2: "Benign". The arginine amino acid residue is found in multiple mammalian species, which suggests that this missense change does not adversely affect protein function. In summary, the available evidence is currently insufficient to determine the role of this variant in disease. Therefore, it has been classified as a Variant of Uncertain Significance.